The following is an entry in ClinVar:

NM_001017420.3(ESCO2):c.41T>A (p.Leu14Ter)

Gene: ESCO2 (establishment of sister chromatid cohesion N-acetyltransferase 2; plus strand). Cytogenetic location: 8p21.1.
Variant type: single nucleotide variant.
Coding change: c.41T>A on transcript NM_001017420.3 (MANE Select); coding-DNA position 41, T replaced by A.
Protein change: p.Leu14Ter; replaces leucine 14 with a stop codon.
Molecular consequence: nonsense.
Genome position (GRCh38, 1-based): chr8:27,775,555, T>A. VCF-style: chr8-27775555-T-A. GRCh37 (hg19) VCF-style: chr8-27633072-T-A.
Other names: c.41T>A (NM_001017420.2); short protein forms L14*.
Identifiers: ClinVar variation 2034121 (VCV002034121.5), dbSNP rs1804770574, ClinGen allele CA370815810.

ClinVar aggregate classification (germline): Pathogenic/Likely pathogenic. Review status: criteria provided, multiple submitters, no conflicts (2 of 4 stars). 2 submissions from 2 submitters: Pathogenic (1); Likely pathogenic (1). Last evaluated 2024-10-20.

Conditions:
Roberts-SC phocomelia syndrome (RBS). Also called: LONG BONE DEFICIENCIES ASSOCIATED WITH CLEFT LIP-PALATE; ESCO2 Spectrum Disorder; Hypomelia hypotrichosis facial hemangioma syndrome; Pseudothalidomide syndrome; Appelt-Gerken-Lenz syndrome. Identifiers: Orphanet 3103, MedGen C0392475, MONDO:0100253, OMIM 268300.

Submissions (2):

Natera, Inc.
Classification: Likely pathogenic for Roberts syndrome. Last evaluated: 2024-10-20. Review status: criteria provided, single submitter. Criteria: Natera Variant Classification Schema (03/2026). Collection method: clinical testing. Allele origin: germline.
Comment: The c.41T>A variant in ESCO2 is a nonsense variant predicted to introduce a stop codon at amino acid 14. This variant is expected to result in nonsense mediated decay, truncation, or a dysfunctional protein product. This variant is rare in the general population with a frequency below the threshold expected for the associated phenotype(s). Given the available evidence, this variant is classified as Likely Pathogenic.

Labcorp Genetics (formerly Invitae), Labcorp
Classification: Pathogenic. Last evaluated: 2022-10-04. Review status: criteria provided, single submitter. Criteria: Invitae Variant Classification Sherloc (09022015). Collection method: clinical testing. Allele origin: germline.
Comment: For these reasons, this variant has been classified as Pathogenic. This variant has not been reported in the literature in individuals affected with ESCO2-related conditions. This variant is not present in population databases (gnomAD no frequency). This sequence change creates a premature translational stop signal (p.Leu14*) in the ESCO2 gene. It is expected to result in an absent or disrupted protein product. Loss-of-function variants in ESCO2 are known to be pathogenic (PMID: 15821733, 16380922).

Literature cited by the submitters: PubMed 15821733 (cited by Labcorp Genetics (formerly Invitae), Labcorp); PubMed 16380922 (cited by Labcorp Genetics (formerly Invitae), Labcorp).